The following is an entry in ClinVar:

ClinVar aggregate classification (germline): Uncertain significance. Review status: criteria provided, multiple submitters, no conflicts (2 of 4 stars). 2 submissions from 2 submitters: Uncertain significance (2). Last evaluated 2026-07-13.

Conditions:
Familial meningioma. Also called: Meningioma, familial, susceptibility to. Identifiers: Orphanet 263662, MedGen C3551915, MONDO:0011789, OMIM 607174.
Hereditary cancer-predisposing syndrome. Also called: Tumor predisposition; Hereditary Cancer Syndrome; Hereditary neoplastic syndrome; Neoplastic Syndromes, Hereditary. Identifiers: Orphanet 140162, MedGen C0027672, MeSH D009386, MONDO:0015356.

Submissions (2):

Ambry Genetics
Classification: Uncertain significance for Hereditary cancer-predisposing syndrome. Last evaluated: 2026-07-13. Review status: criteria provided, single submitter. Criteria: Ambry Variant Classification Scheme 2023. Collection method: clinical testing. Allele origin: germline.
Comment: The p.R216W variant (also known as c.646C>T), located in coding exon 7 of the SMARCE1 gene, results from a C to T substitution at nucleotide position 646. The arginine at codon 216 is replaced by tryptophan, an amino acid with dissimilar properties. This amino acid position is conserved. In addition, this alteration is predicted to be deleterious by in silico analysis. Based on the available evidence, the clinical significance of this variant remains unclear.

Labcorp Genetics (formerly Invitae), Labcorp
Classification: Uncertain significance for Familial meningioma. Last evaluated: 2023-09-01. Review status: criteria provided, single submitter. Criteria: Invitae Variant Classification Sherloc (09022015). Collection method: clinical testing. Allele origin: germline.
Comment: This variant is not present in population databases (gnomAD no frequency). This sequence change replaces arginine, which is basic and polar, with tryptophan, which is neutral and slightly polar, at codon 216 of the SMARCE1 protein (p.Arg216Trp). This variant has not been reported in the literature in individuals affected with SMARCE1-related conditions. ClinVar contains an entry for this variant (Variation ID: 1052441). Advanced modeling of protein sequence and biophysical properties (such as structural, functional, and spatial information, amino acid conservation, physicochemical variation, residue mobility, and thermodynamic stability) performed at Invitae indicates that this missense variant is expected to disrupt SMARCE1 protein function. In summary, the available evidence is currently insufficient to determine the role of this variant in disease. Therefore, it has been classified as a Variant of Uncertain Significance.

NM_003079.5(SMARCE1):c.646C>T (p.Arg216Trp)

Gene: SMARCE1 (SWI/SNF related BAF chromatin remodeling complex subunit E1; minus strand). Cytogenetic location: 17q21.2.
Variant type: single nucleotide variant.
Coding change: c.646C>T on transcript NM_003079.5 (MANE Select); coding-DNA position 646, C replaced by T.
Protein change: p.Arg216Trp; replaces arginine 216 with tryptophan.
Molecular consequence: missense variant.
Genome position (GRCh38, 1-based): chr17:40,632,263, G>A on the plus strand (C>T on the coding strand, the complement: SMARCE1 is on the minus strand). VCF-style: chr17-40632263-G-A. GRCh37 (hg19) VCF-style: chr17-38788515-G-A.
Other names: c.646C>T (NM_003079.4); short protein forms R216W.
Identifiers: ClinVar variation 1052441 (VCV001052441.10), dbSNP rs2143988352, ClinGen allele CA399364678.